The following is an entry in ClinVar:

ClinVar aggregate classification (germline): Uncertain significance (1 of 4 stars; one submission).

gnomAD v4.1: 1 of 1,613,870 alleles (0.000062%); highest among the groups gnomAD compares: African/African-American, 0.0013%; no homozygotes.

Submission:

Dasa
Classification: Uncertain significance. Last evaluated: 2026-01-25. Review status: criteria provided, single submitter. Criteria: DASA Assertion Criteria. Collection method: clinical testing. Allele origin: germline.
Comment: NM_015057.5(MYCBP2):c.7231T>C (p.Tyr2411His) is a missense variant that results in the substitution of tyrosine with histidine. Published studies describe this variant in association with related phenotype (PMID: 36200388). Also, this variant is rare in population databases. Computational prediction algorithms are consistent with a deleterious effect. The currently available literature and clinical evidence are not sufficient to establish a definitive association between this variant and the reported condition. Therefore, this variant is classified as a variant of uncertain significance.

Literature cited by the submitters: PubMed 36200388.

NM_015057.5(MYCBP2):c.7231T>C (p.Tyr2411His)

Gene: MYCBP2 (MYC binding protein 2; minus strand). Cytogenetic location: 13q22.3.
Variant type: single nucleotide variant.
Coding change: c.7231T>C on transcript NM_015057.5 (MANE Select); coding-DNA position 7231, T replaced by C.
Protein change: p.Tyr2411His; replaces tyrosine 2411 with histidine.
Molecular consequence: missense variant.
Genome position (GRCh38, 1-based): chr13:77,144,517, A>G on the plus strand (T>C on the coding strand, the complement: MYCBP2 is on the minus strand). VCF-style: chr13-77144517-A-G. GRCh37 (hg19) VCF-style: chr13-77718652-A-G.
Other names: short protein forms Y2411H.
Identifiers: ClinVar variation 4885786 (VCV004885786.2).
Genomic context (GRCh38, chr13:77,144,517, plus strand): 5'-CATCAATGGTAACATGAAGAGTGTAGAGTCCAATAGCCCCTGGAGTCCAATTTGCACAAT[A>G]AGTCCCATCATTATTGACACGGATCAGCATATTCTCACTGGGTCTGAAAAGAAATAAGAT-3'
Protein context (NP_055872.4, residues 2401-2421): MLIRVNNDGT[Tyr2411His]CANWTPGAIG